The following is an entry in ClinVar:

ClinVar aggregate classification (germline): Likely benign. Review status: criteria provided, single submitter (1 of 4 stars). 3 submissions from 3 submitters: Likely benign (1). 2 of the submissions do not count toward it. Last evaluated 2025-12-08.

Conditions:
Hereditary hemochromatosis (HFE). Identifiers: MedGen C0392514, MONDO:0006507. Disease mechanism: loss of function.
Hemochromatosis type 3 (HFE3). Also called: TFR2-Related Hemochromatosis; Hereditary hemochromatosis type 3; HEMOCHROMATOSIS DUE TO DEFECT IN TRANSFERRIN RECEPTOR 2. Identifiers: Orphanet 225123, MedGen C1858664, MONDO:0011417, OMIM 604250.
TFR2-related disorder. Also called: TFR2-related condition.

Allele frequency attached by ClinVar (database versions not stated): 1000 Genomes Project 30x 0.00016; TOPMed 0.00023.
gnomAD v4.1: 57 of 1,614,134 alleles (0.0035%); highest among the groups gnomAD compares: African/African-American, 0.069%; no homozygotes.

Submissions (3):

Labcorp Genetics (formerly Invitae), Labcorp
Classification: Likely benign for Hereditary hemochromatosis. Last evaluated: 2025-12-08. Review status: criteria provided, single submitter. Criteria: Invitae Variant Classification Sherloc (09022015). Collection method: clinical testing. Allele origin: germline.

Natera, Inc.
Classification: Likely benign for Hereditary hemochromatosis type 3. Last evaluated: 2020-04-16. Review status: no assertion criteria provided. Collection method: clinical testing. Allele origin: germline. Not counted in ClinVar's aggregate classification.

PreventionGenetics, part of Exact Sciences
Classification: Likely benign for TFR2-related condition. Last evaluated: 2019-05-21. Review status: no assertion criteria provided. Collection method: clinical testing. Allele origin: germline. Not counted in ClinVar's aggregate classification.
Comment: This variant is classified as likely benign based on ACMG/AMP sequence variant interpretation guidelines (Richards et al. 2015 PMID: 25741868, with internal and published modifications).

NM_003227.4(TFR2):c.1767+7C>G

Gene: TFR2 (transferrin receptor 2; minus strand). Cytogenetic location: 7q22.1.
Variant type: single nucleotide variant.
Coding change: c.1767+7C>G on transcript NM_003227.4 (MANE Select); 7 bases into the intron after coding-DNA position 1767, C replaced by G.
Molecular consequence: intron variant.
Genome position (GRCh38, 1-based): chr7:100,627,570, G>C on the plus strand (C>G on the coding strand, the complement: TFR2 is on the minus strand). VCF-style: chr7-100627570-G-C. GRCh37 (hg19) VCF-style: chr7-100225193-G-C.
Other names: c.1254+7C>G (NM_001206855.3).
Identifiers: ClinVar variation 699682 (VCV000699682.14), dbSNP rs41295912, ClinGen allele CA4386287.